The following is an entry in ClinVar:

ClinVar aggregate classification (germline): Uncertain significance (1 of 4 stars; one submission).

Conditions:
Pyruvate carboxylase deficiency. Also called: LEIGH NECROTIZING ENCEPHALOPATHY DUE TO PYRUVATE CARBOXYLASE DEFICIENCY; LEIGH SYNDROME DUE TO PYRUVATE CARBOXYLASE DEFICIENCY; PC DEFICIENCY; ATAXIA WITH LACTIC ACIDOSIS II; Pyruvate Carboxylase Deficiency Disease. Identifiers: Orphanet 3008, MedGen C0034341, MONDO:0009949, OMIM 266150.

Allele frequency attached by ClinVar (database versions not stated): ExAC 0.00002.
gnomAD v4.1: 11 of 1,613,632 alleles (0.00068%); highest among the groups gnomAD compares: South Asian, 0.0055%; no homozygotes.

Submission:

Labcorp Genetics (formerly Invitae), Labcorp
Classification: Uncertain significance for Pyruvate carboxylase deficiency. Last evaluated: 2022-07-08. Review status: criteria provided, single submitter. Criteria: Invitae Variant Classification Sherloc (09022015). Collection method: clinical testing. Allele origin: germline.
Comment: This sequence change replaces arginine, which is basic and polar, with glutamine, which is neutral and polar, at codon 137 of the PC protein (p.Arg137Gln). This variant is present in population databases (rs772619045, gnomAD 0.006%). This variant has not been reported in the literature in individuals affected with PC-related conditions. Algorithms developed to predict the effect of missense changes on protein structure and function (SIFT, PolyPhen-2, Align-GVGD) all suggest that this variant is likely to be tolerated. In summary, the available evidence is currently insufficient to determine the role of this variant in disease. Therefore, it has been classified as a Variant of Uncertain Significance.

NM_001040716.2(PC):c.410G>A (p.Arg137Gln)

Gene: PC (pyruvate carboxylase; minus strand). Cytogenetic location: 11q13.2.
Variant type: single nucleotide variant.
Coding change: c.410G>A on transcript NM_001040716.2 (MANE Select); coding-DNA position 410, G replaced by A.
Protein change: p.Arg137Gln; replaces arginine 137 with glutamine.
Molecular consequence: missense variant.
Genome position (GRCh38, 1-based): chr11:66,871,392, C>T on the plus strand (G>A on the coding strand, the complement: PC is on the minus strand). VCF-style: chr11-66871392-C-T. GRCh37 (hg19) VCF-style: chr11-66638863-C-T.
Other names: c.410G>A, p.Arg137Gln (NM_000920.4, NM_022172.3); short protein forms R137Q.
Identifiers: ClinVar variation 2139616 (VCV002139616.1), dbSNP rs772619045, ClinGen allele CA6132227.
Genomic context (GRCh38, chr11:66,871,392, plus strand): 5'-GCCCGGGCCTCCACCTTGTCTCCCATCTTGCGGACCACTTCTGGGCTTGGCCCAATAAAC[C>T]GGACCCCTGCATCCTGGCAGGCCTGGGCGAAGTCCGCTCGCTCAGAGAGGAACCCGTAGC-3'
Protein context (NP_001035806.1, residues 127-147): FAQACQDAGV[Arg137Gln]FIGPSPEVVR